The following is an entry in ClinVar:

ClinVar aggregate classification (germline): Uncertain significance. Review status: criteria provided, multiple submitters, no conflicts (2 of 4 stars). 4 submissions from 4 submitters: Uncertain significance (3). 1 of the submissions does not count toward it. Last evaluated 2023-04-25.

Conditions:
POR-related disorder. Also called: POR-related condition.
Antley-Bixler syndrome with genital anomalies and disordered steroidogenesis (ABS1). Also called: POR Deficiency. Identifiers: Orphanet 63269, MedGen C3150099, MONDO:0008726, OMIM 201750.
Congenital adrenal hyperplasia due to cytochrome P450 oxidoreductase deficiency. Also called: DISORDERED STEROIDOGENESIS DUE TO POR DEFICIENCY. Identifiers: Orphanet 95699, MedGen C1860042, MONDO:0013310, OMIM 613571.

Allele frequency attached by ClinVar (database versions not stated): TOPMed 0.00021.

Submissions (5):

Department of Pathology and Laboratory Medicine, Sinai Health System
Classification: Uncertain significance for Antley-Bixler syndrome with genital anomalies and disordered steroidogenesis. Last evaluated: 2023-04-25. Review status: criteria provided, single submitter. Criteria: ACMG Guidelines, 2015. Collection method: research. Allele origin: germline.

Illumina Laboratory Services, Illumina
Classification: Uncertain significance for Congenital adrenal hyperplasia due to cytochrome P450 oxidoreductase deficiency. Last evaluated: 2018-01-12. Review status: criteria provided, single submitter. Criteria: ICSL Variant Classification Criteria 13 December 2019. Collection method: clinical testing. Allele origin: germline.

Breakthrough Genomics
Classification: Uncertain significance. Review status: criteria provided, single submitter. Criteria: ACMG Guidelines, 2015. Collection method: not provided. Allele origin: germline. Inheritance: Autosomal recessive inheritance. Affected: yes.

PreventionGenetics, part of Exact Sciences
Classification: Likely benign for POR-related condition. Last evaluated: 2024-07-06. Review status: no assertion criteria provided. Collection method: clinical testing. Allele origin: germline. Not counted in ClinVar's aggregate classification.
Comment: This variant is classified as likely benign based on ACMG/AMP sequence variant interpretation guidelines (Richards et al. 2015 PMID: 25741868, with internal and published modifications).

Dr. Peter K. Rogan Lab, Western University
No classification provided (evidence only). Condition: Ovarian serous cystadenocarcinoma. Review status: no classification provided. Collection method: in vitro. Allele origin: not applicable. Functional consequence: retained intron. Not counted in ClinVar's aggregate classification.

NM_001395413.1(POR):c.-14G>A

Genes: POR (cytochrome p450 oxidoreductase; plus strand), LOC129998680 (ATAC-STARR-seq lymphoblastoid silent region 18302; plus strand). Cytogenetic location: 7q11.23.
Variant type: single nucleotide variant.
Coding change: c.-14G>A on transcript NM_001395413.1 (MANE Select); 14 bases upstream of the start codon, G replaced by A.
Molecular consequence: 5 prime UTR variant.
Genome position (GRCh38, 1-based): chr7:75,915,179, G>A. VCF-style: chr7-75915179-G-A. GRCh37 (hg19) VCF-style: chr7-75544497-G-A.
Other names: NC_000007.13:g.75544497G>A; c.-121G>A (NM_001367562.3); c.-14G>A (NM_001382655.3); c.-113G>A (NM_001382657.2); c.-487G>A (NM_001382658.3); c.-48G>A (NM_001382659.3); c.-501G>A (NM_001382662.3); c.-5G>A (NM_001382655.1).
Identifiers: ClinVar variation 360688 (VCV000360688.10), dbSNP rs886062438, ClinGen allele CA10626411.